The following is an entry in ClinVar:

NM_006493.4(CLN5):c.1041T>C (p.Pro347=)

Gene: CLN5 (CLN5 lysosomal BMP synthase; plus strand). Cytogenetic location: 13q22.3.
Variant type: single nucleotide variant.
Coding change: c.1041T>C on transcript NM_006493.4 (MANE Select); coding-DNA position 1041, T replaced by C.
Protein change: p.Pro347=; no amino-acid change (proline 347 retained).
Molecular consequence: synonymous variant. On other transcripts: 3 prime UTR variant (1).
Genome position (GRCh38, 1-based): chr13:77,000,933, T>C. VCF-style: chr13-77000933-T-C. GRCh37 (hg19) VCF-style: chr13-77575068-T-C.
Other names: p.P396P:CCT>CCC; c.1188T>C (LRG_692t1); c.*490T>C (NM_001366624.2).
Identifiers: ClinVar variation 128779 (VCV000128779.30), dbSNP rs36038805, ClinGen allele CA288735.

ClinVar aggregate classification (germline): Benign/Likely benign. Review status: criteria provided, multiple submitters, no conflicts (2 of 4 stars). 9 submissions from 9 submitters: Benign (5); Likely benign (1). 3 of the submissions do not count toward it. Last evaluated 2026-02-03.

Conditions:
Inborn genetic diseases. Identifiers: MedGen C0950123, MeSH D030342.
Neuronal ceroid lipofuscinosis. Also called: Neuronal Ceroid Lipofuscinoses. Identifiers: Orphanet 216, Orphanet 79263, MedGen C0027877, MONDO:0016295. Disease mechanism: loss of function.
Neuronal ceroid lipofuscinosis 5 (CLN5). Also called: CEROID LIPOFUSCINOSIS, NEURONAL, 5, VARIABLE AGE AT ONSET; Neuronal ceroid lipofuscinosis Finnish variant; NEURONAL CEROID LIPOFUSCINOSIS, LATE INFANTILE, FINNISH VARIANT; CLN5-Related Neuronal Ceroid-Lipofuscinosis. Identifiers: Orphanet 168491, Orphanet 228360, MedGen C1850442, MONDO:0009745, OMIM 256731.

Allele frequency attached by ClinVar (database versions not stated): gnomAD exomes 0.00263 and 0.00663; ExAC 0.00813; ESP Exome Variant Server 0.02255; gnomAD 0.02842 and 0.03060; TOPMed 0.03274; 1000 Genomes Project 0.03335; 1000 Genomes Project 30x 0.03592.
gnomAD v4.1: 8,276 of 1,603,772 alleles (0.52%); highest among the groups gnomAD compares: African/African-American, 9.9%; 411 homozygotes.

Submissions (9):

Labcorp Genetics (formerly Invitae), Labcorp
Classification: Benign for Neuronal ceroid lipofuscinosis. Last evaluated: 2026-02-03. Review status: criteria provided, single submitter. Criteria: Invitae Variant Classification Sherloc (09022015). Collection method: clinical testing. Allele origin: germline.

Illumina Laboratory Services, Illumina
Classification: Benign for Neuronal ceroid lipofuscinosis 5. Last evaluated: 2018-01-13. Review status: criteria provided, single submitter. Criteria: ICSL Variant Classification Criteria 13 December 2019. Collection method: clinical testing. Allele origin: germline.
Comment: This variant was observed in the ICSL laboratory as part of a predisposition screen in an ostensibly healthy population. It had not been previously curated by ICSL or reported in the Human Gene Mutation Database (HGMD: prior to June 1st, 2018), and was therefore a candidate for classification through an automated scoring system. Utilizing variant allele frequency, disease prevalence and penetrance estimates, and inheritance mode, an automated score was calculated to assess if this variant is too frequent to cause the disease. Based on the score and internal cut-off values, a variant classified as benign is not then subjected to further curation. The score for this variant resulted in a classification of benign for this disease.

Ambry Genetics
Classification: Benign for Inborn genetic diseases. Last evaluated: 2016-03-21. Review status: criteria provided, single submitter. Criteria: Ambry Variant Classification Scheme 2023. Collection method: clinical testing. Allele origin: germline.

GeneDx
Classification: Benign. Last evaluated: 2012-03-22. Review status: criteria provided, single submitter. Criteria: GeneDx Variant Classification (06012015). Collection method: clinical testing. Allele origin: germline. Affected: yes.
Comment: This variant is considered likely benign or benign based on one or more of the following criteria: it is a conservative change, it occurs at a poorly conserved position in the protein, it is predicted to be benign by multiple in silico algorithms, and/or has population frequency not consistent with disease.

Breakthrough Genomics
Classification: Likely benign. Review status: criteria provided, single submitter. Criteria: ACMG Guidelines, 2015. Collection method: not provided. Allele origin: germline. Inheritance: Autosomal recessive inheritance. Affected: yes.

PreventionGenetics, part of Exact Sciences
Classification: Benign. Review status: criteria provided, single submitter. Criteria: ACMG Guidelines, 2015. Collection method: clinical testing. Allele origin: germline.

Natera, Inc.
Classification: Benign for Neuronal ceroid lipofuscinosis 5. Last evaluated: 2020-09-16. Review status: no assertion criteria provided. Collection method: clinical testing. Allele origin: germline. Not counted in ClinVar's aggregate classification.

Mayo Clinic Laboratories, Mayo Clinic
Classification: Benign. Last evaluated: 2017-05-15. Review status: no assertion criteria provided. Collection method: clinical testing. Allele origin: unknown. Not counted in ClinVar's aggregate classification.

Genetic Services Laboratory, University of Chicago
Classification: Likely benign for AllHighlyPenetrant. Review status: no assertion criteria provided. Collection method: clinical testing. Allele origin: germline. Inheritance: Autosomal recessive inheritance. Not counted in ClinVar's aggregate classification.
Comment: Likely benign based on allele frequency in 1000 Genomes Project or ESP global frequency and its presence in a patient with a rare or unrelated disease phenotype. NOT Sanger confirmed.